The following is an entry in ClinVar:

ClinVar aggregate classification (germline): Uncertain significance. Review status: criteria provided, single submitter (1 of 4 stars). 2 submissions from 2 submitters: Uncertain significance (1). 1 of the submissions does not count toward it. Last evaluated 2024-09-05.

Conditions:
FYB1-related disorder. Also called: FYB1-related condition.

Allele frequency attached by ClinVar (database versions not stated): gnomAD exomes 0.00013; ExAC 0.00040; ESP Exome Variant Server 0.00100; gnomAD 0.00135; 1000 Genomes Project 0.00140; 1000 Genomes Project 30x 0.00141; TOPMed 0.00158.
gnomAD v4.1: 405 of 1,613,760 alleles (0.025%); highest among the groups gnomAD compares: African/African-American, 0.49%; no homozygotes.

Submissions (2):

Ambry Genetics
Classification: Uncertain significance. Last evaluated: 2024-09-05. Review status: criteria provided, single submitter. Criteria: Ambry Variant Classification Scheme 2023. Collection method: clinical testing. Allele origin: germline.

PreventionGenetics, part of Exact Sciences
Classification: Likely benign for FYB1-related condition. Last evaluated: 2019-12-06. Review status: no assertion criteria provided. Collection method: clinical testing. Allele origin: germline. Not counted in ClinVar's aggregate classification.
Comment: This variant is classified as likely benign based on ACMG/AMP sequence variant interpretation guidelines (Richards et al. 2015 PMID: 25741868, with internal and published modifications).

NM_001465.6(FYB1):c.290G>T (p.Ser97Ile)

Gene: FYB1 (FYN binding protein 1; minus strand). Cytogenetic location: 5p13.1.
Variant type: single nucleotide variant.
Coding change: c.290G>T on transcript NM_001465.6 (MANE Select); coding-DNA position 290, G replaced by T.
Protein change: p.Ser97Ile; replaces serine 97 with isoleucine.
Molecular consequence: missense variant.
Genome position (GRCh38, 1-based): chr5:39,202,671, C>A on the plus strand (G>T on the coding strand, the complement: FYB1 is on the minus strand). VCF-style: chr5-39202671-C-A. GRCh37 (hg19) VCF-style: chr5-39202773-C-A.
Other names: c.320G>T, p.Ser107Ile (NM_001243093.2, NM_018594.2); c.290G>T, p.Ser97Ile (NM_001349333.2, NM_199335.5); c.290G>T (NM_001465.4); short protein forms S107I, S97I.
Identifiers: ClinVar variation 3033523 (VCV003033523.3), dbSNP rs36011681, ClinGen allele CA3246524.